The following is an entry in ClinVar:

ClinVar aggregate classification (germline): Uncertain significance (1 of 4 stars; one submission).

Conditions:
Factor H deficiency (CFHD). Also called: COMPLEMENT FACTOR H DEFICIENCY; CFH DEFICIENCY. Identifiers: Orphanet 200421, MedGen C0398777, MONDO:0012350, OMIM 609814.

Submission:

Genomenon, Inc
Classification: Uncertain significance for Factor H deficiency. Last evaluated: 2026-09-17. Review status: criteria provided, single submitter. Criteria: Genomenon Sequence Variant Interpretation Standards - Updated. Collection method: curation. Allele origin: germline. Affected: yes.
Comment: CFH p.His402Asp (c.1204C>G) is a missense variant that changes the amino acid at codon 402 from histidine to aspartic acid. This variant has been observed in at least one proband affected with complement factor H deficiency (PMID: 38041748). It is absent or not present at a significant frequency in gnomAD. In silico models predict that this variant is not damaging. In conclusion, we classify CFH p.His402Asp (c.1204C>G) as a variant of uncertain significance.

Literature cited by the submitters: PubMed 38041748.

NM_000186.4(CFH):c.1204C>G (p.His402Asp)

Gene: CFH (complement factor H; plus strand). Cytogenetic location: 1q31.3.
Variant type: single nucleotide variant.
Coding change: c.1204C>G on transcript NM_000186.4 (MANE Select); coding-DNA position 1204, C replaced by G.
Protein change: p.His402Asp; replaces histidine 402 with aspartic acid.
Molecular consequence: missense variant.
Genome position (GRCh38, 1-based): chr1:196,690,107, C>G. VCF-style: chr1-196690107-C-G. GRCh37 (hg19) VCF-style: chr1-196659237-C-G.
Other names: c.1204C>G, p.His402Asp (NM_001014975.3); short protein forms H402D.
Identifiers: ClinVar variation 4291375 (VCV004291375.2).